The following is an entry in ClinVar:

ClinVar aggregate classification (germline): Conflicting classifications of pathogenicity. Review status: criteria provided, conflicting classifications (1 of 4 stars). 4 submissions from 4 submitters: Uncertain significance (3); Likely benign (1). Last evaluated 2025-10-10.

Conditions:
Inborn genetic diseases. Identifiers: MedGen C0950123, MeSH D030342.

Allele frequency attached by ClinVar (database versions not stated): gnomAD 0.00001; TOPMed 0.00002.
gnomAD v4.1: 13 of 1,613,550 alleles (0.00081%); highest among the groups gnomAD compares: Non-Finnish European, 0.0011%; no homozygotes.

Submissions (4):

Mayo Clinic Laboratories, Mayo Clinic
Classification: Likely benign. Last evaluated: 2025-10-10. Review status: criteria provided, single submitter. Criteria: ACMG Guidelines, 2015. Collection method: clinical testing. Allele origin: germline. Observed: 1 variant allele.
Comment: BS2, BP4

Labcorp Genetics (formerly Invitae), Labcorp
Classification: Uncertain significance. Last evaluated: 2025-09-23. Review status: criteria provided, single submitter. Criteria: Invitae Variant Classification Sherloc (09022015). Collection method: clinical testing. Allele origin: germline.
Comment: This sequence change replaces glutamic acid, which is acidic and polar, with lysine, which is basic and polar, at codon 666 of the SAMD9L protein (p.Glu666Lys). This variant is present in population databases (no rsID available, gnomAD 0.002%). This variant has not been reported in the literature in individuals affected with SAMD9L-related conditions. ClinVar contains an entry for this variant (Variation ID: 1370344). Invitae Evidence Modeling of protein sequence and biophysical properties (such as structural, functional, and spatial information, amino acid conservation, physicochemical variation, residue mobility, and thermodynamic stability) indicates that this missense variant is not expected to disrupt SAMD9L protein function with a negative predictive value of 80%. In summary, the available evidence is currently insufficient to determine the role of this variant in disease. Therefore, it has been classified as a Variant of Uncertain Significance.

Ambry Genetics
Classification: Uncertain significance for Inborn genetic diseases. Last evaluated: 2024-12-06. Review status: criteria provided, single submitter. Criteria: Ambry Variant Classification Scheme 2023. Collection method: clinical testing. Allele origin: germline.
Comment: The p.E666K variant (also known as c.1996G>A), located in coding exon 1 of the SAMD9L gene, results from a G to A substitution at nucleotide position 1996. The glutamic acid at codon 666 is replaced by lysine, an amino acid with similar properties. This amino acid position is conserved. In addition, this alteration is predicted to be tolerated by in silico analysis. Based on the available evidence, the clinical significance of this variant remains unclear.

GeneDx
Classification: Uncertain significance. Last evaluated: 2023-03-10. Review status: criteria provided, single submitter. Criteria: GeneDx Variant Classification Process June 2021. Collection method: clinical testing. Allele origin: germline. Affected: yes.
Comment: Not observed at significant frequency in large population cohorts (gnomAD); In silico analysis supports that this missense variant does not alter protein structure/function; Has not been previously published as pathogenic or benign to our knowledge

NM_152703.5(SAMD9L):c.1996G>A (p.Glu666Lys)

Gene: SAMD9L (sterile alpha motif domain containing 9 like; minus strand). Cytogenetic location: 7q21.2.
Variant type: single nucleotide variant.
Coding change: c.1996G>A on transcript NM_152703.5 (MANE Select); coding-DNA position 1996, G replaced by A.
Protein change: p.Glu666Lys; replaces glutamic acid 666 with lysine.
Molecular consequence: missense variant.
Genome position (GRCh38, 1-based): chr7:93,133,976, C>T on the plus strand (G>A on the coding strand, the complement: SAMD9L is on the minus strand). VCF-style: chr7-93133976-C-T. GRCh37 (hg19) VCF-style: chr7-92763289-C-T.
Other names: p.Glu666Lys; c.1996G>A (NM_152703.3, NM_152703.2); c.1996G>A, p.Glu666Lys (NM_001303496.3, NM_001303497.3, NM_001303498.3 and 5 more transcripts); short protein forms E666K.
Identifiers: ClinVar variation 1370344 (VCV001370344.10), dbSNP rs756104818, ClinGen allele CA368193674.